The following is an entry in ClinVar:

NM_006420.3(ARFGEF2):c.*1015C>T

Gene: ARFGEF2 (ARF guanine nucleotide exchange factor 2; plus strand). Cytogenetic location: 20q13.13.
Variant type: single nucleotide variant.
Coding change: c.*1015C>T on transcript NM_006420.3 (MANE Select); 1015 bases downstream of the stop codon, C replaced by T.
Molecular consequence: 3 prime UTR variant.
Genome position (GRCh38, 1-based): chr20:49,034,214, C>T. VCF-style: chr20-49034214-C-T. GRCh37 (hg19) VCF-style: chr20-47650751-C-T.
Identifiers: ClinVar variation 897219 (VCV000897219.28), dbSNP rs187156346, ClinGen allele CA315919554.

ClinVar aggregate classification (germline): Conflicting classifications of pathogenicity. Review status: criteria provided, conflicting classifications (1 of 4 stars). 2 submissions from 2 submitters: Uncertain significance (1); Benign (1). Last evaluated 2023-01-01.

Conditions:
Periventricular heterotopia with microcephaly, autosomal recessive (ARPHM). Also called: PERIVENTRICULAR NODULAR HETEROTOPIA 2; Periventricular heterotopia with microcephaly. Identifiers: Orphanet 2149, MedGen C1842563, MONDO:0011966, OMIM 608097.

Allele frequency attached by ClinVar (database versions not stated): TOPMed 0.00369; gnomAD 0.00377 and 0.00394; 1000 Genomes Project 0.00399; 1000 Genomes Project 30x 0.00406.

Submissions (2):

CeGaT Center for Human Genetics Tuebingen
Classification: Benign. Last evaluated: 2023-01-01. Review status: criteria provided, single submitter. Criteria: CeGaT Center For Human Genetics Tuebingen Variant Classification Criteria Version 2. Collection method: clinical testing. Allele origin: germline. Affected: yes. Observed: 1 variant allele.
Comment: ARFGEF2: BS1, BS2

Illumina Laboratory Services, Illumina
Classification: Uncertain significance for Periventricular heterotopia with microcephaly, autosomal recessive. Last evaluated: 2018-01-13. Review status: criteria provided, single submitter. Criteria: ICSL Variant Classification Criteria 13 December 2019. Collection method: clinical testing. Allele origin: germline.